The following is an entry in ClinVar:

NM_032656.4(DHX37):c.1015G>A (p.Val339Met)

Gene: DHX37 (DEAH-box helicase 37; minus strand). Cytogenetic location: 12q24.31.
Variant type: single nucleotide variant.
Coding change: c.1015G>A on transcript NM_032656.4 (MANE Select); coding-DNA position 1015, G replaced by A.
Protein change: p.Val339Met; replaces valine 339 with methionine.
Molecular consequence: missense variant.
Genome position (GRCh38, 1-based): chr12:124,972,565, C>T on the plus strand (G>A on the coding strand, the complement: DHX37 is on the minus strand). VCF-style: chr12-124972565-C-T. GRCh37 (hg19) VCF-style: chr12-125457111-C-T.
Other names: short protein forms V339M.
Identifiers: ClinVar variation 3697704 (VCV003697704.2).

ClinVar aggregate classification (germline): Uncertain significance (1 of 4 stars; one submission).

Submission:

Labcorp Genetics (formerly Invitae), Labcorp
Classification: Uncertain significance. Last evaluated: 2024-09-05. Review status: criteria provided, single submitter. Criteria: Invitae Variant Classification Sherloc (09022015). Collection method: clinical testing. Allele origin: germline.
Comment: This sequence change replaces valine, which is neutral and non-polar, with methionine, which is neutral and non-polar, at codon 339 of the DHX37 protein (p.Val339Met). This variant is present in population databases (rs778673475, gnomAD 0.004%). This variant has not been reported in the literature in individuals affected with DHX37-related conditions. Invitae Evidence Modeling of protein sequence and biophysical properties (such as structural, functional, and spatial information, amino acid conservation, physicochemical variation, residue mobility, and thermodynamic stability) indicates that this missense variant is not expected to disrupt DHX37 protein function with a negative predictive value of 80%. In summary, the available evidence is currently insufficient to determine the role of this variant in disease. Therefore, it has been classified as a Variant of Uncertain Significance.